The following is an entry in ClinVar:

NM_003119.4(SPG7):c.1663+5A>G

Gene: SPG7 (SPG7 matrix AAA peptidase subunit, paraplegin; plus strand). Cytogenetic location: 16q24.3.
Variant type: single nucleotide variant.
Coding change: c.1663+5A>G on transcript NM_003119.4 (MANE Select); 5 bases into the intron after coding-DNA position 1663, A replaced by G.
Molecular consequence: intron variant.
Genome position (GRCh38, 1-based): chr16:89,548,118, A>G. VCF-style: chr16-89548118-A-G. GRCh37 (hg19) VCF-style: chr16-89614526-A-G.
Other names: c.1663+5A>G (NM_001363850.1).
Identifiers: ClinVar variation 4749180 (VCV004749180.1).

ClinVar aggregate classification (germline): Uncertain significance (1 of 4 stars; one submission).

Conditions:
Hereditary spastic paraplegia 7 (SPG7). Also called: SPASTIC PARAPLEGIA 7, AUTOSOMAL RECESSIVE, WITH OR WITHOUT CEREBELLAR ATAXIA; SPG7-related neurologic disorder; Spastic paraplegia 7; Hereditary spastic paraplegia Paraplegin type; Autosomal recessive spastic paraplegia type 7. Identifiers: Orphanet 99013, MedGen C1846564, MONDO:0011803, OMIM 607259.

gnomAD v4.1: 6 of 1,593,760 alleles (0.00038%); highest among the groups gnomAD compares: South Asian, 0.0011%; no homozygotes.

Submission:

Labcorp Genetics (formerly Invitae), Labcorp
Classification: Uncertain significance for Hereditary spastic paraplegia 7. Last evaluated: 2025-02-27. Review status: criteria provided, single submitter. Criteria: Invitae Variant Classification Sherloc (09022015). Collection method: clinical testing. Allele origin: germline.
Comment: This sequence change falls in intron 12 of the SPG7 gene. It does not directly change the encoded amino acid sequence of the SPG7 protein. It affects a nucleotide within the consensus splice site. This variant is present in population databases (rs777200735, gnomAD 0.003%). This variant has not been reported in the literature in individuals affected with SPG7-related conditions. Variants that disrupt the consensus splice site are a relatively common cause of aberrant splicing (PMID: 17576681, 9536098). Algorithms developed to predict the effect of sequence changes on RNA splicing suggest that this variant is not likely to affect RNA splicing. In summary, the available evidence is currently insufficient to determine the role of this variant in disease. Therefore, it has been classified as a Variant of Uncertain Significance.

Literature cited by the submitters: PubMed 17576681; PubMed 9536098.